The following is an entry in ClinVar:

ClinVar aggregate classification (germline): Uncertain significance. Review status: criteria provided, multiple submitters, no conflicts (2 of 4 stars). 2 submissions from 2 submitters: Uncertain significance (2). Last evaluated 2024-05-30.

Conditions:
Isolated cryptophthalmia. Also called: Cryptophthalmos, unilateral or bilateral, isolated; ANKYLOBLEPHARON, SIMPLE. Identifiers: Orphanet 91396, MedGen C1852453, MONDO:0007410, OMIM 123570.
Fraser syndrome 2 (FRASRS2). Identifiers: MedGen C4540036, MONDO:0054738, OMIM 617666.

Allele frequency attached by ClinVar (database versions not stated): gnomAD 0.00001 and 0.00003; gnomAD exomes 0.00004 and 0.00014; TOPMed 0.00006; ExAC 0.00012.
gnomAD v4.1: 69 of 1,613,896 alleles (0.0043%); highest among the groups gnomAD compares: Admixed American, 0.048%; no homozygotes.

Submissions (2):

Fulgent Genetics
Classification: Uncertain significance for Isolated cryptophthalmia; Fraser syndrome 2. Last evaluated: 2024-05-30. Review status: criteria provided, single submitter. Criteria: ACMG Guidelines, 2015. Collection method: clinical testing. Allele origin: germline.

Labcorp Genetics (formerly Invitae), Labcorp
Classification: Uncertain significance. Last evaluated: 2024-01-22. Review status: criteria provided, single submitter. Criteria: Invitae Variant Classification Sherloc (09022015). Collection method: clinical testing. Allele origin: germline.
Comment: This sequence change replaces arginine, which is basic and polar, with histidine, which is basic and polar, at codon 2781 of the FREM2 protein (p.Arg2781His). This variant is present in population databases (rs756570666, gnomAD 0.07%). This variant has not been reported in the literature in individuals affected with FREM2-related conditions. ClinVar contains an entry for this variant (Variation ID: 1345742). Algorithms developed to predict the effect of missense changes on protein structure and function output the following: SIFT: "Not Available"; PolyPhen-2: "Benign"; Align-GVGD: "Not Available". The histidine amino acid residue is found in multiple mammalian species, which suggests that this missense change does not adversely affect protein function. In summary, the available evidence is currently insufficient to determine the role of this variant in disease. Therefore, it has been classified as a Variant of Uncertain Significance.

NM_207361.6(FREM2):c.8342G>A (p.Arg2781His)

Gene: FREM2 (FRAS1 related extracellular matrix 2; plus strand). Cytogenetic location: 13q13.3.
Variant type: single nucleotide variant.
Coding change: c.8342G>A on transcript NM_207361.6 (MANE Select); coding-DNA position 8342, G replaced by A.
Protein change: p.Arg2781His; replaces arginine 2781 with histidine.
Molecular consequence: missense variant.
Genome position (GRCh38, 1-based): chr13:38,876,082, G>A. VCF-style: chr13-38876082-G-A. GRCh37 (hg19) VCF-style: chr13-39450219-G-A.
Other names: short protein forms R2781H.
Identifiers: ClinVar variation 1345742 (VCV001345742.6), dbSNP rs756570666, ClinGen allele CA6956116.